The following is an entry in ClinVar:

NM_033026.6(PCLO):c.15183A>G (p.Gln5061=)

Gene: PCLO (piccolo presynaptic cytomatrix protein; minus strand). Cytogenetic location: 7q21.11.
Variant type: single nucleotide variant.
Coding change: c.15183A>G on transcript NM_033026.6 (MANE Select); coding-DNA position 15183, A replaced by G.
Protein change: p.Gln5061=; no amino-acid change (glutamine 5061 retained).
Molecular consequence: synonymous variant.
Genome position (GRCh38, 1-based): chr7:82,760,744, T>C on the plus strand (A>G on the coding strand, the complement: PCLO is on the minus strand). VCF-style: chr7-82760744-T-C. GRCh37 (hg19) VCF-style: chr7-82390060-T-C.
Identifiers: ClinVar variation 1406361 (VCV001406361.5), dbSNP rs150397734, ClinGen allele CA4318593.
Genomic context (GRCh38, chr7:82,760,744, plus strand): 5'-ATTAAACGAAGGCTCTCGATCATGTCTGCATACTCTTGTTTTTTTCTTGATCACCTTTTT[T>C]TGGGTAGAAATATTCATCACATATATTTTCACATATAAATCTGAAAATAAGAATTCAGCC-3'
Protein context (NP_149015.2, residues 5051-5071): VKIYVMNIST[Gln5061=]KKVIKKKTRV

ClinVar aggregate classification (germline): Uncertain significance (1 of 4 stars; one submission).

Allele frequency attached by ClinVar (database versions not stated): TOPMed below 0.00001.
gnomAD v4.1: 1 of 1,539,074 alleles (0.000065%); highest among the groups gnomAD compares: Non-Finnish European, 0.00009%; no homozygotes.

Submission:

Labcorp Genetics (formerly Invitae), Labcorp
Classification: Uncertain significance. Last evaluated: 2022-08-10. Review status: criteria provided, single submitter. Criteria: Invitae Variant Classification Sherloc (09022015). Collection method: clinical testing. Allele origin: germline.
Comment: This sequence change affects codon 5061 of the PCLO mRNA. It is a 'silent' change, meaning that it does not change the encoded amino acid sequence of the PCLO protein. The frequency data for this variant in the population databases is considered unreliable, as metrics indicate poor data quality at this position in the gnomAD database. This variant has not been reported in the literature in individuals affected with PCLO-related conditions. ClinVar contains an entry for this variant (Variation ID: 1406361). Algorithms developed to predict the effect of sequence changes on RNA splicing suggest that this variant may disrupt the consensus splice site. In summary, the available evidence is currently insufficient to determine the role of this variant in disease. Therefore, it has been classified as a Variant of Uncertain Significance.